The following is an entry in ClinVar:

NM_198075.4(LRRC56):c.887C>T (p.Ser296Phe)

Gene: LRRC56 (leucine rich repeat containing 56; plus strand). Cytogenetic location: 11p15.5.
Variant type: single nucleotide variant.
Coding change: c.887C>T on transcript NM_198075.4 (MANE Select); coding-DNA position 887, C replaced by T.
Protein change: p.Ser296Phe; replaces serine 296 with phenylalanine.
Molecular consequence: missense variant.
Genome position (GRCh38, 1-based): chr11:551,741, C>T. VCF-style: chr11-551741-C-T. GRCh37 (hg19) VCF-style: chr11-551741-C-T.
Other names: c.887C>T (NM_198075.3); short protein forms S296F.
Identifiers: ClinVar variation 1581076 (VCV001581076.10), dbSNP rs139348192, ClinGen allele CA5779859.

ClinVar aggregate classification (germline): Benign. Review status: criteria provided, multiple submitters, no conflicts (2 of 4 stars). 3 submissions from 3 submitters: Benign (2). 1 of the submissions does not count toward it. Last evaluated 2026-02-01.

Conditions:
LRRC56-related disorder. Also called: LRRC56-related condition.

Allele frequency attached by ClinVar (database versions not stated): TOPMed 0.00328; ExAC 0.00714; 1000 Genomes Project 30x 0.00765; 1000 Genomes Project 0.00879; gnomAD exomes 0.00677; ESP Exome Variant Server 0.00254.
gnomAD v4.1: 8,830 of 1,611,532 alleles (0.55%); highest among the groups gnomAD compares: South Asian, 3.4%; 115 homozygotes.

Submissions (3):

Labcorp Genetics (formerly Invitae), Labcorp
Classification: Benign. Last evaluated: 2026-02-01. Review status: criteria provided, single submitter. Criteria: Invitae Variant Classification Sherloc (09022015). Collection method: clinical testing. Allele origin: germline.

Breakthrough Genomics
Classification: Benign. Review status: criteria provided, single submitter. Criteria: ACMG Guidelines, 2015. Collection method: not provided. Allele origin: germline. Inheritance: Autosomal recessive inheritance. Affected: yes.

PreventionGenetics, part of Exact Sciences
Classification: Likely benign for LRRC56-related condition. Last evaluated: 2019-04-15. Review status: no assertion criteria provided. Collection method: clinical testing. Allele origin: germline. Not counted in ClinVar's aggregate classification.
Comment: This variant is classified as likely benign based on ACMG/AMP sequence variant interpretation guidelines (Richards et al. 2015 PMID: 25741868, with internal and published modifications).